The following is an entry in ClinVar:

NM_001360016.2(G6PD):c.105C>G (p.Ile35Met)

Genes: G6PD (glucose-6-phosphate dehydrogenase; minus strand), IKBKG (inhibitor of nuclear factor kappa B kinase regulatory subunit gamma; plus strand). Cytogenetic location: Xq28.
Variant type: single nucleotide variant.
Coding change: c.105C>G on transcript NM_001360016.2 (MANE Select); coding-DNA position 105, C replaced by G.
Protein change: p.Ile35Met; replaces isoleucine 35 with methionine.
Molecular consequence: missense variant. On other transcripts: intron variant (4).
Genome position (GRCh38, 1-based): chrX:154,546,051, G>C on the plus strand (C>G on the coding strand, the complement: G6PD is on the minus strand). VCF-style: chrX-154546051-G-C. GRCh37 (hg19) VCF-style: chrX-153774266-G-C.
Other names: c.195C>G, p.Ile65Met (NM_000402.4); c.105C>G, p.Ile35Met (NM_001042351.3); c.-16+4660G>C (NM_001377312.1, NM_001377313.1); c.189+3599G>C (NM_001099856.6); c.-16+3664G>C (NM_001321396.3); short protein forms I35M, I65M.
Identifiers: ClinVar variation 4746371 (VCV004746371.1).

ClinVar aggregate classification (germline): Uncertain significance (1 of 4 stars; one submission).

Conditions:
Anemia, nonspherocytic hemolytic, due to G6PD deficiency (CNSHA1). Also called: Hemolytic anemia due to G6PD deficiency; Favism, susceptibility to; Class I glucose-6-phosphate dehydrogenase deficiency; ANEMIA, CONGENITAL, NONSPHEROCYTIC HEMOLYTIC, 1. Identifiers: Orphanet 466026, MedGen C2720289, MONDO:0010480, OMIM 300908.

Submission:

Labcorp Genetics (formerly Invitae), Labcorp
Classification: Uncertain significance for Anemia, nonspherocytic hemolytic, due to G6PD deficiency. Last evaluated: 2025-05-07. Review status: criteria provided, single submitter. Criteria: Invitae Variant Classification Sherloc (09022015). Collection method: clinical testing. Allele origin: germline.
Comment: This sequence change replaces isoleucine, which is neutral and non-polar, with methionine, which is neutral and non-polar, at codon 35 of the G6PD protein (p.Ile35Met). This variant is not present in population databases (gnomAD no frequency). This variant has not been reported in the literature in individuals affected with G6PD-related conditions. Invitae Evidence Modeling of protein sequence and biophysical properties (such as structural, functional, and spatial information, amino acid conservation, physicochemical variation, residue mobility, and thermodynamic stability) indicates that this missense variant is expected to disrupt G6PD protein function with a positive predictive value of 95%. In summary, the available evidence is currently insufficient to determine the role of this variant in disease. Therefore, it has been classified as a Variant of Uncertain Significance.